The following is an entry in ClinVar:

ClinVar aggregate classification (germline): Uncertain significance (1 of 4 stars; one submission).

Conditions:
ATM-related cancer predisposition. Also called: ATM-related cancer susceptibility. Identifiers: MedGen CN377759, MONDO:0700270.

Submission:

Dasa
Classification: Uncertain significance for ATM-related cancer predisposition. Last evaluated: 2026-03-02. Review status: criteria provided, single submitter. Criteria: DASA Assertion Criteria. Collection method: clinical testing. Allele origin: germline.
Comment: NM_000051.4(ATM):c.5296C>G (p.Pro1766Ala) is a missense variant that results in the substitution of proline with alanine. This variant is rare in population databases. The currently available literature and clinical evidence are not sufficient to establish a definitive association between this variant and the reported condition. Therefore, this variant is classified as a variant of uncertain significance.

NM_000051.4(ATM):c.5296C>G (p.Pro1766Ala)

Gene: ATM (ATM serine/threonine kinase; plus strand). Cytogenetic location: 11q22.3.
Variant type: single nucleotide variant.
Coding change: c.5296C>G on transcript NM_000051.4 (MANE Select); coding-DNA position 5296, C replaced by G.
Protein change: p.Pro1766Ala; replaces proline 1766 with alanine.
Molecular consequence: missense variant.
Genome position (GRCh38, 1-based): chr11:108,301,766, C>G. VCF-style: chr11-108301766-C-G. GRCh37 (hg19) VCF-style: chr11-108172493-C-G.
Other names: c.5296C>G, p.Pro1766Ala (NM_001351834.2); short protein forms P1766A.
Identifiers: ClinVar variation 4885661 (VCV004885661.2).